The following is an entry in ClinVar:

NM_024854.5(PYROXD1):c.316G>A (p.Val106Ile)

Gene: PYROXD1 (pyridine nucleotide-disulphide oxidoreductase domain 1; plus strand). Cytogenetic location: 12p12.1.
Variant type: single nucleotide variant.
Coding change: c.316G>A on transcript NM_024854.5 (MANE Select); coding-DNA position 316, G replaced by A.
Protein change: p.Val106Ile; replaces valine 106 with isoleucine.
Molecular consequence: missense variant. On other transcripts: 5 prime UTR variant (1).
Genome position (GRCh38, 1-based): chr12:21,449,593, G>A. VCF-style: chr12-21449593-G-A. GRCh37 (hg19) VCF-style: chr12-21602527-G-A.
Other names: c.316G>A (NM_024854.3); c.103G>A, p.Val35Ile (NM_001350912.2); c.-388G>A (NM_001350913.2); short protein forms V106I, V35I.
Identifiers: ClinVar variation 1348836 (VCV001348836.9), dbSNP rs756249393, ClinGen allele CA6478172.
Genomic context (GRCh38, chr12:21,449,593, plus strand): 5'-CTTTTCTTTCATTGTTTGATGTATTTACAGTGCATTGTAACAGAAGATGGCAATCAGCAC[G>A]TATATAAGAAACTCTGTCTGTGTGCTGGAGCTAAACCAAAGTTGATATGTGAAGGAAATC-3'
Protein context (NP_079130.2, residues 96-116): CIVTEDGNQH[Val106Ile]YKKLCLCAGA

ClinVar aggregate classification (germline): Uncertain significance. Review status: criteria provided, multiple submitters, no conflicts (2 of 4 stars). 2 submissions from 2 submitters: Uncertain significance (2). Last evaluated 2024-07-05.

Allele frequency attached by ClinVar (database versions not stated): gnomAD exomes 0.00002 and 0.00003; ExAC 0.00003; gnomAD 0.00005 and 0.00006.
gnomAD v4.1: 58 of 1,612,812 alleles (0.0036%); highest among the groups gnomAD compares: Middle Eastern, 0.016%; no homozygotes.

Submissions (2):

GeneDx
Classification: Uncertain significance. Last evaluated: 2024-07-05. Review status: criteria provided, single submitter. Criteria: GeneDx Variant Classification Process June 2021. Collection method: clinical testing. Allele origin: germline. Affected: yes.
Comment: Not observed at significant frequency in large population cohorts (gnomAD); In silico analysis indicates that this missense variant does not alter protein structure/function; Has not been previously published as pathogenic or benign to our knowledge

Labcorp Genetics (formerly Invitae), Labcorp
Classification: Uncertain significance. Last evaluated: 2022-08-01. Review status: criteria provided, single submitter. Criteria: Invitae Variant Classification Sherloc (09022015). Collection method: clinical testing. Allele origin: germline.
Comment: Algorithms developed to predict the effect of missense changes on protein structure and function output the following: SIFT: "Tolerated"; PolyPhen-2: "Benign"; Align-GVGD: "Class C0". The isoleucine amino acid residue is found in multiple mammalian species, which suggests that this missense change does not adversely affect protein function. ClinVar contains an entry for this variant (Variation ID: 1348836). This variant has not been reported in the literature in individuals affected with PYROXD1-related conditions. This variant is present in population databases (rs756249393, gnomAD 0.007%). This sequence change replaces valine, which is neutral and non-polar, with isoleucine, which is neutral and non-polar, at codon 106 of the PYROXD1 protein (p.Val106Ile). In summary, the available evidence is currently insufficient to determine the role of this variant in disease. Therefore, it has been classified as a Variant of Uncertain Significance.